The following is an entry in ClinVar:

ClinVar aggregate classification (germline): Uncertain significance. Review status: criteria provided, multiple submitters, no conflicts (2 of 4 stars). 2 submissions from 2 submitters: Uncertain significance (2). Last evaluated 2021-03-13.

Conditions:
Dilated cardiomyopathy 1G (CMD1G). Identifiers: Orphanet 154, MedGen C1858763, MONDO:0011400, OMIM 604145.
Autosomal recessive limb-girdle muscular dystrophy type 2J (LGMDR10). Also called: MUSCULAR DYSTROPHY, LIMB-GIRDLE, AUTOSOMAL RECESSIVE 10; Limb-girdle muscular dystrophy, type 2J. Identifiers: Orphanet 140922, MedGen C1837342, MONDO:0012127, OMIM 608807.

Submissions (2):

Labcorp Genetics (formerly Invitae), Labcorp
Classification: Uncertain significance for Dilated cardiomyopathy 1G; Autosomal recessive limb-girdle muscular dystrophy type 2J. Last evaluated: 2021-03-13. Review status: criteria provided, single submitter. Criteria: Invitae Variant Classification Sherloc (09022015). Collection method: clinical testing. Allele origin: germline.
Comment: This variant has not been reported in the literature in individuals with TTN-related conditions. ClinVar contains an entry for this variant (Variation ID: 592896). This variant is not present in population databases (ExAC no frequency). This sequence change replaces isoleucine with valine at codon 35906 of the TTN protein (p.Ile35906Val). There is a small physicochemical difference between isoleucine and valine. This variant is located in the M band of TTN (PMID: 25589632). Variants in this region may be relevant for neuromuscular disorders, but have not been definitively shown to cause cardiomyopathy (PMID: 23975875). In summary, the available evidence is currently insufficient to determine the role of this variant in disease. Therefore, it has been classified as a Variant of Uncertain Significance. Experimental studies and prediction algorithms are not available or were not evaluated, and the functional significance of this variant is currently unknown.

Eurofins Ntd Llc (ga)
Classification: Uncertain significance. Last evaluated: 2017-09-22. Review status: criteria provided, single submitter. Criteria: EGL Classification Definitions 2015. Collection method: clinical testing. Allele origin: germline. Observed: 2 variant alleles, 2 heterozygotes.

Literature cited by the submitters: PubMed 25589632 (cited by Labcorp Genetics (formerly Invitae), Labcorp); PubMed 23975875 (cited by Labcorp Genetics (formerly Invitae), Labcorp).

NM_001267550.2(TTN):c.107716A>G (p.Ile35906Val)

Genes: TTN-AS1 (TTN antisense RNA 1; plus strand), TTN (titin; minus strand). Cytogenetic location: 2q31.2.
Variant type: single nucleotide variant.
Coding change: c.107716A>G on transcript NM_001267550.2 (MANE Select); coding-DNA position 107716, A replaced by G.
Protein change: p.Ile35906Val; replaces isoleucine 35906 with valine.
Molecular consequence: missense variant.
Genome position (GRCh38, 1-based): chr2:178,527,272, T>C on the plus strand (A>G on the coding strand, the complement: TTN is on the minus strand). VCF-style: chr2-178527272-T-C. GRCh37 (hg19) VCF-style: chr2-179391999-T-C.
Other names: c.102793A>G, p.Ile34265Val (NM_001256850.1); c.80521A>G, p.Ile26841Val (NM_003319.4); c.100012A>G, p.Ile33338Val (NM_133378.4); c.80896A>G, p.Ile26966Val (NM_133432.3); c.81097A>G, p.Ile27033Val (NM_133437.4); short protein forms I35906V, I33338V, I26966V, I27033V, I34265V, I26841V.
Identifiers: ClinVar variation 592896 (VCV000592896.11), dbSNP rs1558955770, ClinGen allele CA349399537.